The following is an entry in ClinVar:

ClinVar aggregate classification (germline): Uncertain significance (1 of 4 stars; one submission).

Conditions:
Mega-corpus-callosum syndrome with cerebellar hypoplasia and cortical malformations. Identifiers: MedGen C4748927, MONDO:0032648, OMIM 618273.

Allele frequency attached by ClinVar (database versions not stated): gnomAD 0.00001.
gnomAD v4.1: 38 of 1,595,522 alleles (0.0024%); highest among the groups gnomAD compares: Non-Finnish European, 0.0032%; no homozygotes.

Submission:

UNC Molecular Genetics  Laboratory, University of North Carolina at Chapel Hill
Classification: Uncertain significance for Mega-corpus-callosum syndrome with cerebellar hypoplasia and cortical malformations. Last evaluated: 2022-04-12. Review status: criteria provided, single submitter. Criteria: ACMG Guidelines, 2015. Collection method: research. Allele origin: maternal. Observed: 1 variant allele. Study: CSER_NCGENES_2.
Comment: MAST1 c.2311G>A p.(Pro771Thr) is a missense variant which is predicted to change a single amino acid from a highly conserved proline to a threonine in a region without any known protein domains or motifs. This variant is observed in gnomAD v2.1.1 with a global minor allele frequency of 0.0009% (2 alleles/214,494 alleles, 0 homozygotes). As the functional consequence of the variant is unknown, it is classified as a variant of uncertain significance.

NM_014975.3(MAST1):c.2311C>A (p.Pro771Thr)

Genes: MAST1 (microtubule associated serine/threonine kinase 1; plus strand), LOC112543452 (Sharpr-MPRA regulatory region 6054; plus strand). Cytogenetic location: 19p13.13.
Variant type: single nucleotide variant.
Coding change: c.2311C>A on transcript NM_014975.3 (MANE Select); coding-DNA position 2311, C replaced by A.
Protein change: p.Pro771Thr; replaces proline 771 with threonine.
Molecular consequence: missense variant.
Genome position (GRCh38, 1-based): chr19:12,867,645, C>A. VCF-style: chr19-12867645-C-A. GRCh37 (hg19) VCF-style: chr19-12978459-C-A.
Other names: short protein forms P771T.
Identifiers: ClinVar variation 1712286 (VCV001712286.1), dbSNP rs375872899, ClinGen allele CA9233093.